The following is an entry in ClinVar:

ClinVar aggregate classification (germline): Pathogenic (1 of 4 stars; one submission).

Conditions:
Proximal myopathy with extrapyramidal signs. Also called: Myopathy with extrapyramidal signs. Identifiers: Orphanet 401768, MedGen C3810285, MONDO:0014300, OMIM 615673.

Submission:

Baylor Genetics
Classification: Pathogenic for Proximal myopathy with extrapyramidal signs. Last evaluated: 2018-06-27. Review status: criteria provided, single submitter. Criteria: ACMG Guidelines, 2015. Collection method: clinical testing. Allele origin: maternal. Affected: yes.
Comment: This variant was determined to be pathogenic according to ACMG Guidelines, 2015 [PMID:25741868].

NM_001195518.2(MICU1):c.310del (p.Ser104fs)

Gene: MICU1 (mitochondrial calcium uptake 1; minus strand). Cytogenetic location: 10q22.1.
Variant type: Deletion.
Coding change: c.310del on transcript NM_001195518.2 (MANE Select); coding-DNA position 310, one base deleted (T; older notation c.310delT).
Protein change: p.Ser104fs; shifts the reading frame from serine 104.
Molecular consequence: frameshift variant.
Genome position (GRCh38, 1-based): chr10:72,562,915, A deleted on the plus strand (T on the coding strand, the reverse complement: MICU1 is on the minus strand); the first of 2 consecutive A bases (chr10:72,562,915-72,562,916); deleting either gives the same sequence. VCF-style (leftmost placement, unchanged base first): chr10-72562914-GA-G. GRCh37 (hg19) VCF-style: chr10-74322672-GA-G.
Other names: c.310del, p.Ser104fs (NM_001363513.2, NM_006077.4); short protein forms S104fs.
Identifiers: ClinVar variation 1033066 (VCV001033066.1), dbSNP rs1840335901, ClinGen allele CA1919228341.